The following is an entry in ClinVar:

ClinVar aggregate classification (germline): Conflicting classifications of pathogenicity. Review status: criteria provided, conflicting classifications (1 of 4 stars). 3 submissions from 3 submitters: Uncertain significance (2); Likely benign (1). Last evaluated 2026-01-13.

Conditions:
Inborn genetic diseases. Identifiers: MedGen C0950123, MeSH D030342.

Allele frequency attached by ClinVar (database versions not stated): gnomAD exomes 0.00003 and 0.00004; ExAC 0.00004; gnomAD 0.00007; TOPMed 0.00010.
gnomAD v4.1: 57 of 1,613,512 alleles (0.0035%); highest among the groups gnomAD compares: Admixed American, 0.015%; no homozygotes.

Submissions (3):

Labcorp Genetics (formerly Invitae), Labcorp
Classification: Uncertain significance. Last evaluated: 2026-01-13. Review status: criteria provided, single submitter. Criteria: Invitae Variant Classification Sherloc (09022015). Collection method: clinical testing. Allele origin: germline.
Comment: This sequence change replaces threonine, which is neutral and polar, with methionine, which is neutral and non-polar, at codon 57 of the RORB protein (p.Thr57Met). This variant is present in population databases (rs779534868, gnomAD 0.01%). This variant has not been reported in the literature in individuals affected with RORB-related conditions. ClinVar contains an entry for this variant (Variation ID: 1497873). An algorithm developed to predict the effect of missense changes on protein structure and function (PolyPhen-2) suggests that this variant is likely to be disruptive. In summary, the available evidence is currently insufficient to determine the role of this variant in disease. Therefore, it has been classified as a Variant of Uncertain Significance.

CeGaT Center for Human Genetics Tuebingen
Classification: Uncertain significance. Last evaluated: 2025-10-01. Review status: criteria provided, single submitter. Criteria: CeGaT Center For Human Genetics Tuebingen Variant Classification Criteria Version 2. Collection method: clinical testing. Allele origin: germline. Affected: yes. Observed: 1 variant allele.
Comment: RORB: PP2, PP3

Ambry Genetics
Classification: Likely benign for Inborn genetic diseases. Last evaluated: 2022-01-19. Review status: criteria provided, single submitter. Criteria: Ambry Variant Classification Scheme 2023. Collection method: clinical testing. Allele origin: germline.

NM_006914.4(RORB):c.170C>T (p.Thr57Met)

Gene: RORB (RAR related orphan receptor B; plus strand). Cytogenetic location: 9q21.13.
Variant type: single nucleotide variant.
Coding change: c.170C>T on transcript NM_006914.4 (MANE Select); coding-DNA position 170, C replaced by T.
Protein change: p.Thr57Met; replaces threonine 57 with methionine.
Molecular consequence: missense variant.
Genome position (GRCh38, 1-based): chr9:74,634,707, C>T. VCF-style: chr9-74634707-C-T. GRCh37 (hg19) VCF-style: chr9-77249623-C-T.
Other names: c.203C>T, p.Thr68Met (NM_001365023.1); c.170C>T (NM_006914.3); short protein forms T57M, T68M.
Identifiers: ClinVar variation 1497873 (VCV001497873.13), dbSNP rs779534868, ClinGen allele CA5083310.
Genomic context (GRCh38, chr9:74,634,707, plus strand): 5'-GCCAGCAGAACAATGCTTCTTATTCCTGCCCAAGGCAGAGAAACTGTTTAATTGACAGAA[C>T]GAACAGAAACCGTTGCCAACACTGCCGACTGCAGAAGTGTCTTGCCCTAGGAATGTCAAG-3'
Protein context (NP_008845.2, residues 47-67): PRQRNCLIDR[Thr57Met]NRNRCQHCRL